The following is an entry in ClinVar:

NM_014915.3(ANKRD26):c.4429C>G (p.Gln1477Glu)

Gene: ANKRD26 (ankyrin repeat domain containing 26; minus strand). Cytogenetic location: 10p12.1.
Variant type: single nucleotide variant.
Coding change: c.4429C>G on transcript NM_014915.3 (MANE Select); coding-DNA position 4429, C replaced by G.
Protein change: p.Gln1477Glu; replaces glutamine 1477 with glutamic acid.
Molecular consequence: missense variant.
Genome position (GRCh38, 1-based): chr10:27,017,579, G>C on the plus strand (C>G on the coding strand, the complement: ANKRD26 is on the minus strand). VCF-style: chr10-27017579-G-C. GRCh37 (hg19) VCF-style: chr10-27306508-G-C.
Other names: c.4426C>G, p.Gln1476Glu (NM_001256053.2); short protein forms Q1476E, Q1477E.
Identifiers: ClinVar variation 3913544 (VCV003913544.1).

ClinVar aggregate classification (germline): Uncertain significance (1 of 4 stars; one submission).

Conditions:
Inborn genetic diseases. Identifiers: MedGen C0950123, MeSH D030342.

gnomAD v4.1: 1 of 1,613,580 alleles (0.000062%); highest among the groups gnomAD compares: African/African-American, 0.0013%; no homozygotes.

Submission:

Ambry Genetics
Classification: Uncertain significance for Inborn genetic diseases. Last evaluated: 2025-04-03. Review status: criteria provided, single submitter. Criteria: Ambry Variant Classification Scheme 2023. Collection method: clinical testing. Allele origin: germline.
Comment: The p.Q1477E variant (also known as c.4429C>G), located in coding exon 30 of the ANKRD26 gene, results from a C to G substitution at nucleotide position 4429. The glutamine at codon 1477 is replaced by glutamic acid, an amino acid with highly similar properties. This amino acid position is conserved. In addition, this alteration is predicted to be tolerated by in silico analysis. Based on the available evidence, the clinical significance of this variant remains unclear.